The following is an entry in ClinVar:

NM_001792.5(CDH2):c.847+1G>C

Gene: CDH2 (cadherin 2; minus strand). Cytogenetic location: 18q12.1.
Variant type: single nucleotide variant.
Coding change: c.847+1G>C on transcript NM_001792.5 (MANE Select); the canonical splice donor site of the intron after coding-DNA position 847, G replaced by C.
Molecular consequence: splice donor variant.
Genome position (GRCh38, 1-based): chr18:28,005,848, C>G on the plus strand (G>C on the coding strand, the complement: CDH2 is on the minus strand). VCF-style: chr18-28005848-C-G. GRCh37 (hg19) VCF-style: chr18-25585812-C-G.
Other names: c.754+1G>C (NM_001308176.2).
Identifiers: ClinVar variation 4722618 (VCV004722618.1).

ClinVar aggregate classification (germline): Uncertain significance (1 of 4 stars; one submission).

Submission:

Labcorp Genetics (formerly Invitae), Labcorp
Classification: Uncertain significance. Last evaluated: 2025-07-03. Review status: criteria provided, single submitter. Criteria: Invitae Variant Classification Sherloc (09022015). Collection method: clinical testing. Allele origin: germline.
Comment: This sequence change affects a donor splice site in intron 6 of the CDH2 gene. It is expected to disrupt RNA splicing. Variants that disrupt the donor or acceptor splice site typically lead to a loss of protein function (PMID: 16199547), however the current clinical and genetic evidence is not sufficient to establish whether loss-of-function variants in CDH2 cause disease. This variant is not present in population databases (gnomAD no frequency). This variant has not been reported in the literature in individuals affected with CDH2-related conditions. Algorithms developed to predict the effect of sequence changes on RNA splicing suggest that this variant may disrupt the consensus splice site. In summary, the available evidence is currently insufficient to determine the role of this variant in disease. Therefore, it has been classified as a Variant of Uncertain Significance.

Literature cited by the submitters: PubMed 16199547.